The following is an entry in ClinVar:

NM_017757.3(ZNF407):c.5236del (p.Trp1746fs)

Gene: ZNF407 (zinc finger protein 407; plus strand). Cytogenetic location: 18q22.3.
Variant type: Deletion.
Coding change: c.5236del on transcript NM_017757.3 (MANE Select); coding-DNA position 5236, one base deleted (T; older notation c.5236delT).
Protein change: p.Trp1746fs; shifts the reading frame from tryptophan 1746.
Molecular consequence: frameshift variant.
Genome position (GRCh38, 1-based): chr18:74,890,025, T deleted. VCF-style (leftmost placement, unchanged base first): chr18-74890024-CT-C. GRCh37 (hg19) VCF-style: chr18-72601980-CT-C.
Other names: c.5236del, p.Trp1746fs (NM_001146189.1, NM_001384475.1); short protein forms W1746fs.
Identifiers: ClinVar variation 3364217 (VCV003364217.2).

ClinVar aggregate classification (germline): Uncertain significance (1 of 4 stars; one submission).

Submission:

GeneDx
Classification: Uncertain significance. Last evaluated: 2025-06-14. Review status: criteria provided, single submitter. Criteria: GeneDx Variant Classification Process June 2021. Collection method: clinical testing. Allele origin: germline.
Comment: Not observed at significant frequency in large population cohorts (gnomAD); Has not been previously published as pathogenic or benign to our knowledge; Frameshift variant predicted to result in abnormal protein length as the last 503 amino acid(s) are replaced with 46 different amino acid(s) with an unclear effect on protein function